The following is an entry in ClinVar:

ClinVar aggregate classification (germline): Pathogenic (1 of 4 stars; one submission).

Submission:

Labcorp Genetics (formerly Invitae), Labcorp
Classification: Pathogenic. Last evaluated: 2023-07-26. Review status: criteria provided, single submitter. Criteria: Invitae Variant Classification Sherloc (09022015). Collection method: clinical testing. Allele origin: germline.
Comment: This sequence change creates a premature translational stop signal (p.Asp147Glyfs*30) in the DUOX2 gene. It is expected to result in an absent or disrupted protein product. Loss-of-function variants in DUOX2 are known to be pathogenic (PMID: 12110737, 18765513, 21565790, 24423310, 24735383). This variant is not present in population databases (gnomAD no frequency). This variant has not been reported in the literature in individuals affected with DUOX2-related conditions. For these reasons, this variant has been classified as Pathogenic.

Literature cited by the submitters: PubMed 12110737; PubMed 18765513; PubMed 21565790; PubMed 24423310; PubMed 24735383.

NM_001363711.2(DUOX2):c.438_439dup (p.Asp147fs)

Gene: DUOX2 (dual oxidase 2; minus strand). Cytogenetic location: 15q21.1.
Variant type: Duplication.
Coding change: c.438_439dup on transcript NM_001363711.2 (MANE Select); coding-DNA positions 438 to 439, 2 bases duplicated (GG; older notation c.438_439dupGG).
Protein change: p.Asp147fs; shifts the reading frame from aspartic acid 147.
Molecular consequence: frameshift variant.
Genome position (GRCh38, 1-based): chr15:45,111,842-45,111,843, CC duplicated on the plus strand (GG on the coding strand, the reverse complement: DUOX2 is on the minus strand); duplicating any 2 consecutive bases within chr15:45,111,842-45,111,845 gives the same sequence; the c. name uses the placement nearest the transcript's 3' end. VCF-style (leftmost placement, unchanged base first): chr15-45111841-T-TCC. GRCh37 (hg19) VCF-style: chr15-45404039-T-TCC.
Other names: c.438_439dup, p.Asp147fs (NM_014080.5); short protein forms D147fs.
Identifiers: ClinVar variation 2747180 (VCV002747180.3), dbSNP rs2504785893, ClinGen allele CA2697549022.